The following is an entry in ClinVar:

NM_001384910.1(GUCA1A):c.351+6G>A

Genes: GUCA1A (guanylate cyclase activator 1A; plus strand), GUCA1ANB-GUCA1A (GUCA1ANB-GUCA1A readthrough; plus strand). Cytogenetic location: 6p21.1.
Variant type: single nucleotide variant.
Coding change: c.351+6G>A on transcript NM_001384910.1 (MANE Select); 6 bases into the intron after coding-DNA position 351, G replaced by A.
Molecular consequence: intron variant.
Genome position (GRCh38, 1-based): chr6:42,178,435, G>A. VCF-style: chr6-42178435-G-A. GRCh37 (hg19) VCF-style: chr6-42146173-G-A.
Other names: c.351+6G>A (NM_001319061.2, NM_000409.5, NM_001319062.2).
Identifiers: ClinVar variation 3613137 (VCV003613137.2).

ClinVar aggregate classification (germline): Uncertain significance (1 of 4 stars; one submission).

Submission:

Labcorp Genetics (formerly Invitae), Labcorp
Classification: Uncertain significance. Last evaluated: 2024-10-17. Review status: criteria provided, single submitter. Criteria: Invitae Variant Classification Sherloc (09022015). Collection method: clinical testing. Allele origin: germline.
Comment: This sequence change falls in intron 4 of the GUCA1A gene. It does not directly change the encoded amino acid sequence of the GUCA1A protein. It affects a nucleotide within the consensus splice site. This variant is not present in population databases (gnomAD no frequency). This variant has not been reported in the literature in individuals affected with GUCA1A-related conditions. Variants that disrupt the consensus splice site are a relatively common cause of aberrant splicing (PMID: 17576681, 9536098). Algorithms developed to predict the effect of sequence changes on RNA splicing suggest that this variant is not likely to affect RNA splicing. In summary, the available evidence is currently insufficient to determine the role of this variant in disease. Therefore, it has been classified as a Variant of Uncertain Significance.

Literature cited by the submitters: PubMed 17576681; PubMed 9536098.